The following is an entry in ClinVar:

ClinVar aggregate classification (germline): Pathogenic (1 of 4 stars; one submission).

Conditions:
RYR1-related disorder. Also called: RYR1-related condition; RYR1-related disorders. Identifiers: MedGen CN239331.

Allele frequency attached by ClinVar (database versions not stated): gnomAD exomes below 0.00001.
gnomAD v4.1: 6 of 1,614,026 alleles (0.00037%); highest among the groups gnomAD compares: Non-Finnish European, 0.00051%; no homozygotes.

Submission:

Labcorp Genetics (formerly Invitae), Labcorp
Classification: Pathogenic for RYR1-related disorder. Last evaluated: 2021-12-02. Review status: criteria provided, single submitter. Criteria: Invitae Variant Classification Sherloc (09022015). Collection method: clinical testing. Allele origin: germline.
Comment: For these reasons, this variant has been classified as Pathogenic. ClinVar contains an entry for this variant (Variation ID: 1069774). This sequence change creates a premature translational stop signal (p.Glu461*) in the RYR1 gene. It is expected to result in an absent or disrupted protein product. Loss-of-function variants in RYR1 are known to be pathogenic (PMID: 20583297, 20839240, 23919265, 28818389). This variant is present in population databases (no rsID available, gnomAD 0.0009%). This variant has not been reported in the literature in individuals affected with RYR1-related conditions.

Literature cited by the submitters: PubMed 20583297; PubMed 20839240; PubMed 23919265; PubMed 28818389.

NM_000540.3(RYR1):c.1381G>T (p.Glu461Ter)

Gene: RYR1 (ryanodine receptor 1; plus strand). Cytogenetic location: 19q13.2.
Variant type: single nucleotide variant.
Coding change: c.1381G>T on transcript NM_000540.3 (MANE Select); coding-DNA position 1381, G replaced by T.
Protein change: p.Glu461Ter; replaces glutamic acid 461 with a stop codon.
Molecular consequence: nonsense.
Genome position (GRCh38, 1-based): chr19:38,452,955, G>T. VCF-style: chr19-38452955-G-T. GRCh37 (hg19) VCF-style: chr19-38943595-G-T.
Other names: c.1381G>T, p.Glu461Ter (NM_001042723.2); short protein forms E461*.
Identifiers: ClinVar variation 1069774 (VCV001069774.7), dbSNP rs1159003478, ClinGen allele CA405686353.